The following is an entry in ClinVar:

ClinVar aggregate classification (germline): Benign/Likely benign. Review status: criteria provided, multiple submitters, no conflicts (2 of 4 stars). 5 submissions from 5 submitters: Benign (1); Likely benign (4). Last evaluated 2025-08-11.

Conditions:
Hereditary cancer-predisposing syndrome. Also called: Hereditary neoplastic syndrome; Neoplastic Syndromes, Hereditary; Tumor predisposition; Hereditary Cancer Syndrome. Identifiers: Orphanet 140162, MedGen C0027672, MeSH D009386, MONDO:0015356.
Familial cancer of breast. Also called: BREAST CANCER, FAMILIAL; Hereditary breast cancer; hereditary breast carcinoma. Identifiers: Orphanet 227535, MedGen C0346153, MONDO:0016419, OMIM 114480. Disease mechanism: loss of function.

Allele frequency attached by ClinVar (database versions not stated): gnomAD exomes below 0.00001; TOPMed below 0.00001; gnomAD 0.00001.

Submissions (5):

Labcorp Genetics (formerly Invitae), Labcorp
Classification: Likely benign for Familial cancer of breast. Last evaluated: 2025-08-11. Review status: criteria provided, single submitter. Criteria: Invitae Variant Classification Sherloc (09022015). Collection method: clinical testing. Allele origin: germline.

Myriad Genetics, Inc.
Classification: Benign for Familial cancer of breast. Last evaluated: 2025-01-15. Review status: criteria provided, single submitter. Criteria: Myriad Autosomal Dominant, Autosomal Recessive and X-Linked Classification Criteria (2023). Collection method: clinical testing. Allele origin: unknown.
Comment: This variant is considered benign. This variant is a silent/synonymous amino acid change and it is not expected to impact splicing.

Quest Diagnostics Nichols Institute San Juan Capistrano
Classification: Likely benign. Last evaluated: 2024-12-26. Review status: criteria provided, single submitter. Criteria: Quest Diagnostics criteria. Collection method: clinical testing. Allele origin: unknown.

Color Diagnostics, LLC DBA Color Health
Classification: Likely benign for Hereditary cancer-predisposing syndrome. Last evaluated: 2017-05-29. Review status: criteria provided, single submitter. Criteria: ACMG Guidelines, 2015. Collection method: clinical testing. Allele origin: germline.

Ambry Genetics
Classification: Likely benign for Hereditary cancer-predisposing syndrome. Last evaluated: 2015-07-12. Review status: criteria provided, single submitter. Criteria: Ambry Variant Classification Scheme 2023. Collection method: clinical testing. Allele origin: germline.

NM_024675.4(PALB2):c.2229T>C (p.Tyr743=)

Gene: PALB2 (partner and localizer of BRCA2; minus strand). Cytogenetic location: 16p12.2.
Variant type: single nucleotide variant.
Coding change: c.2229T>C on transcript NM_024675.4 (MANE Select); coding-DNA position 2229, T replaced by C.
Protein change: p.Tyr743=; no amino-acid change (tyrosine 743 retained).
Molecular consequence: synonymous variant.
Genome position (GRCh38, 1-based): chr16:23,629,925, A>G on the plus strand (T>C on the coding strand, the complement: PALB2 is on the minus strand). VCF-style: chr16-23629925-A-G. GRCh37 (hg19) VCF-style: chr16-23641246-A-G.
Identifiers: ClinVar variation 215931 (VCV000215931.21), dbSNP rs730881888, ClinGen allele CA338960.